The following is an entry in ClinVar:

ClinVar aggregate classification (germline): Uncertain significance (1 of 4 stars; one submission).

Conditions:
Inborn genetic diseases. Identifiers: MedGen C0950123, MeSH D030342.

Allele frequency attached by ClinVar (database versions not stated): gnomAD exomes below 0.00001.
gnomAD v4.1: 1 of 1,614,132 alleles (0.000062%); highest among the groups gnomAD compares: Non-Finnish European, 0.000085%; no homozygotes.

Submission:

Ambry Genetics
Classification: Uncertain significance for Inborn genetic diseases. Last evaluated: 2020-02-11. Review status: criteria provided, single submitter. Criteria: Ambry Variant Classification Scheme 2023. Collection method: clinical testing. Allele origin: germline.
Comment: The p.L440F variant (also known as c.1318C>T), located in coding exon 11 of the YARS gene, results from a C to T substitution at nucleotide position 1318. The leucine at codon 440 is replaced by phenylalanine, an amino acid with highly similar properties. This amino acid position is well conserved in available vertebrate species. In addition, the in silico prediction for this alteration is inconclusive. Since supporting evidence is limited at this time, the clinical significance of this alteration remains unclear.

NM_003680.4(YARS1):c.1318C>T (p.Leu440Phe)

Gene: YARS1 (tyrosyl-tRNA synthetase 1; minus strand). Cytogenetic location: 1p35.1.
Variant type: single nucleotide variant.
Coding change: c.1318C>T on transcript NM_003680.4 (MANE Select); coding-DNA position 1318, C replaced by T.
Protein change: p.Leu440Phe; replaces leucine 440 with phenylalanine.
Molecular consequence: missense variant.
Genome position (GRCh38, 1-based): chr1:32,780,101, G>A on the plus strand (C>T on the coding strand, the complement: YARS1 is on the minus strand). VCF-style: chr1-32780101-G-A. GRCh37 (hg19) VCF-style: chr1-33245702-G-A.
Other names: short protein forms L440F.
Identifiers: ClinVar variation 1800159 (VCV001800159.2), dbSNP rs2523351160, ClinGen allele CA339681177.